The following is an entry in ClinVar:

ClinVar aggregate classification (germline): Benign (1 of 4 stars; one submission).

Allele frequency attached by ClinVar (database versions not stated): 1000 Genomes Project 30x 0.42005; 1000 Genomes Project 0.42033; gnomAD 0.42855 and 0.43319; TOPMed 0.43450.
gnomAD v4.1: 65,316 of 150,212 alleles (43%); highest among the groups gnomAD compares: South Asian, 53%; 14,990 homozygotes.

Submission:

GeneDx
Classification: Benign. Last evaluated: 2018-06-19. Review status: criteria provided, single submitter. Criteria: GeneDx Variant Classification (06012015). Collection method: clinical testing. Allele origin: germline. Affected: yes.
Comment: This variant is considered likely benign or benign based on one or more of the following criteria: it is a conservative change, it occurs at a poorly conserved position in the protein, it is predicted to be benign by multiple in silico algorithms, and/or has population frequency not consistent with disease.

NM_177924.5(ASAH1):c.217-247A>G

Gene: ASAH1 (N-acylsphingosine amidohydrolase 1; minus strand). Cytogenetic location: 8p22.
Variant type: single nucleotide variant.
Coding change: c.217-247A>G on transcript NM_177924.5 (MANE Select); 247 bases into the intron before coding-DNA position 217, A replaced by G.
Molecular consequence: intron variant.
Genome position (GRCh38, 1-based): chr8:18,070,125, T>C on the plus strand (A>G on the coding strand, the complement: ASAH1 is on the minus strand). VCF-style: chr8-18070125-T-C. GRCh37 (hg19) VCF-style: chr8-17927634-T-C.
Other names: c.265-247A>G (NM_004315.6); c.285+1175A>G (NM_001127505.3); c.22-247A>G (NM_001363743.2).
Identifiers: ClinVar variation 678027 (VCV000678027.1), dbSNP rs35855663, ClinGen allele CA12716449.